The following is an entry in ClinVar:

ClinVar aggregate classification (germline): Conflicting classifications of pathogenicity. Review status: criteria provided, conflicting classifications (1 of 4 stars). 2 submissions from 2 submitters: Uncertain significance (1); Likely benign (1). Last evaluated 2023-03-23.

Conditions:
Hereditary cancer-predisposing syndrome. Also called: Neoplastic Syndromes, Hereditary; Hereditary Cancer Syndrome; Hereditary neoplastic syndrome; Tumor predisposition. Identifiers: Orphanet 140162, MedGen C0027672, MeSH D009386, MONDO:0015356.
Hereditary breast ovarian cancer syndrome. Also called: Hereditary breast and ovarian cancer syndrome; BRCA1- and BRCA2-Associated Hereditary Breast and Ovarian Cancer; Hereditary breast and ovarian cancer; Hereditary breast and/or ovarian cancer syndrome; Hereditary breast and ovarian cancer syndrome (HBOC); Breast and ovarian cancer. Identifiers: Orphanet 145, MedGen C0677776, MeSH D061325, MONDO:0003582. Disease mechanism: loss of function.

Submissions (2):

University of Washington Department of Laboratory Medicine, University of Washington
Classification: Likely benign for Hereditary cancer-predisposing syndrome. Last evaluated: 2023-03-23. Review status: criteria provided, single submitter. Criteria: Dines et al. (Genet Med. 2020). Collection method: curation. Allele origin: germline.
Comment: Missense variant in a coldspot region where missense variants are very unlikely to be pathogenic (PMID:31911673).

BRCA2 exon 11 coldspot. Reclassification based on statistical prior probability.

Labcorp Genetics (formerly Invitae), Labcorp
Classification: Uncertain significance for Hereditary breast ovarian cancer syndrome. Last evaluated: 2022-03-10. Review status: criteria provided, single submitter. Criteria: Invitae Variant Classification Sherloc (09022015). Collection method: clinical testing. Allele origin: germline.
Comment: In summary, the available evidence is currently insufficient to determine the role of this variant in disease. Therefore, it has been classified as a Variant of Uncertain Significance. Advanced modeling of protein sequence and biophysical properties (such as structural, functional, and spatial information, amino acid conservation, physicochemical variation, residue mobility, and thermodynamic stability) performed at Invitae indicates that this missense variant is not expected to disrupt BRCA2 protein function. This variant has not been reported in the literature in individuals affected with BRCA2-related conditions. This variant is not present in population databases (gnomAD no frequency). This sequence change replaces glutamic acid, which is acidic and polar, with aspartic acid, which is acidic and polar, at codon 1518 of the BRCA2 protein (p.Glu1518Asp).

NM_000059.4(BRCA2):c.4554A>C (p.Glu1518Asp)

Gene: BRCA2 (BRCA2 DNA repair associated; plus strand). Cytogenetic location: 13q13.1.
Variant type: single nucleotide variant.
Coding change: c.4554A>C on transcript NM_000059.4 (MANE Select); coding-DNA position 4554, A replaced by C.
Protein change: p.Glu1518Asp; replaces glutamic acid 1518 with aspartic acid.
Molecular consequence: missense variant.
Genome position (GRCh38, 1-based): chr13:32,338,909, A>C. VCF-style: chr13-32338909-A-C. GRCh37 (hg19) VCF-style: chr13-32913046-A-C.
Other names: c.4554A>C, p.Glu1518Asp (NM_001406719.1, NM_001406720.1); short protein forms E1518D.
Identifiers: ClinVar variation 2108441 (VCV002108441.6), dbSNP rs200185407, ClinGen allele CA387781806.
Genomic context (GRCh38, chr13:32,338,909, plus strand): 5'-TACTGGAAATCAACTAGTGACCTTCCAGGGACAACCCGAACGTGATGAAAAGATCAAAGA[A>C]CCTACTCTATTGGGTTTTCATACAGCTAGCGGGAAAAAAGTTAAAATTGCAAAGGAATCT-3'
Protein context (NP_000050.3, residues 1508-1528): GQPERDEKIK[Glu1518Asp]PTLLGFHTAS